The following is an entry in ClinVar:

NM_183357.3(ADCY5):c.3776C>T (p.Pro1259Leu)

Gene: ADCY5 (adenylate cyclase 5; minus strand). Cytogenetic location: 3q21.1.
Variant type: single nucleotide variant.
Coding change: c.3776C>T on transcript NM_183357.3 (MANE Select); coding-DNA position 3776, C replaced by T.
Protein change: p.Pro1259Leu; replaces proline 1259 with leucine.
Molecular consequence: missense variant.
Genome position (GRCh38, 1-based): chr3:123,284,618, G>A on the plus strand (C>T on the coding strand, the complement: ADCY5 is on the minus strand). VCF-style: chr3-123284618-G-A. GRCh37 (hg19) VCF-style: chr3-123003465-G-A.
Other names: c.2726C>T, p.Pro909Leu (NM_001199642.1); c.3851C>T, p.Pro1284Leu (NM_001378259.1); short protein forms P1259L, P909L, P1284L.
Identifiers: ClinVar variation 794055 (VCV000794055.14), dbSNP rs117446067, ClinGen allele CA2576684.

ClinVar aggregate classification (germline): Conflicting classifications of pathogenicity. Review status: criteria provided, conflicting classifications (1 of 4 stars). 4 submissions from 4 submitters: Uncertain significance (1); Likely benign (2). 1 of the submissions does not count toward it. Last evaluated 2026-06-01.

Conditions:
ADCY5-related disorder. Also called: ADCY5-related condition.

Allele frequency attached by ClinVar (database versions not stated): ExAC 0.00022; TOPMed 0.00022; 1000 Genomes Project 0.00080; 1000 Genomes Project 30x 0.00094.
gnomAD v4.1: 141 of 1,614,214 alleles (0.0087%); highest among the groups gnomAD compares: East Asian, 0.18%; no homozygotes.

Submissions (4):

CeGaT Center for Human Genetics Tuebingen
Classification: Uncertain significance. Last evaluated: 2026-06-01. Review status: criteria provided, single submitter. Criteria: CeGaT Center For Human Genetics Tuebingen Variant Classification Criteria Version 2. Collection method: clinical testing. Allele origin: germline. Affected: yes. Observed: 1 variant allele.

Labcorp Genetics (formerly Invitae), Labcorp
Classification: Likely benign. Last evaluated: 2026-01-19. Review status: criteria provided, single submitter. Criteria: Invitae Variant Classification Sherloc (09022015). Collection method: clinical testing. Allele origin: germline.

Breakthrough Genomics
Classification: Likely benign. Review status: criteria provided, single submitter. Criteria: ACMG Guidelines, 2015. Collection method: not provided. Allele origin: germline. Inheritance: Autosomal recessive inheritance. Affected: yes.

PreventionGenetics, part of Exact Sciences
Classification: Likely benign for ADCY5-related condition. Last evaluated: 2023-02-20. Review status: no assertion criteria provided. Collection method: clinical testing. Allele origin: germline. Not counted in ClinVar's aggregate classification.
Comment: This variant is classified as likely benign based on ACMG/AMP sequence variant interpretation guidelines (Richards et al. 2015 PMID: 25741868, with internal and published modifications).